The following is an entry in ClinVar:

NM_006929.5(SKIC2):c.452A>G (p.Gln151Arg)

Gene: SKIC2 (SKI2 subunit of superkiller complex; plus strand). Cytogenetic location: 6p21.33.
Variant type: single nucleotide variant.
Coding change: c.452A>G on transcript NM_006929.5 (MANE Select); coding-DNA position 452, A replaced by G.
Protein change: p.Gln151Arg; replaces glutamine 151 with arginine.
Molecular consequence: missense variant.
Genome position (GRCh38, 1-based): chr6:31,960,529, A>G. VCF-style: chr6-31960529-A-G. GRCh37 (hg19) VCF-style: chr6-31928306-A-G.
Other names: short protein forms Q151R.
Identifiers: ClinVar variation 356316 (VCV000356316.17), dbSNP rs438999, ClinGen allele CA3729147.

ClinVar aggregate classification (germline): Benign/Likely benign. Review status: criteria provided, multiple submitters, no conflicts (2 of 4 stars). 5 submissions from 5 submitters: Benign (4); Likely benign (1). Last evaluated 2026-02-04.

Conditions:
Trichohepatoenteric syndrome 2 (THES2). Identifiers: Orphanet 84064, MedGen C3281289, MONDO:0013818, OMIM 614602.

Allele frequency attached by ClinVar (database versions not stated): gnomAD exomes 0.09701 and 0.09734; ExAC 0.09977; 1000 Genomes Project 30x 0.11602; 1000 Genomes Project 0.11781; gnomAD 0.11787 and 0.11951; ESP Exome Variant Server 0.12041; TOPMed 0.12457.
gnomAD v4.1: 160,644 of 1,611,646 alleles (10%); highest among the groups gnomAD compares: African/African-American, 19%; 8,980 homozygotes.

Submissions (5):

Labcorp Genetics (formerly Invitae), Labcorp
Classification: Benign. Last evaluated: 2026-02-04. Review status: criteria provided, single submitter. Criteria: Invitae Variant Classification Sherloc (09022015). Collection method: clinical testing. Allele origin: germline.

Women's Health and Genetics/Laboratory Corporation of America, LabCorp
Classification: Likely benign. Last evaluated: 2021-12-03. Review status: criteria provided, single submitter. Criteria: LabCorp Variant Classification Summary - May 2015. Collection method: clinical testing. Allele origin: germline.

Mayo Clinic Laboratories, Mayo Clinic
Classification: Benign. Last evaluated: 2019-02-26. Review status: criteria provided, single submitter. Criteria: ACMG Guidelines, 2015. Collection method: clinical testing. Allele origin: germline. Observed: 130 variant alleles.

Illumina Laboratory Services, Illumina
Classification: Benign for Trichohepatoenteric syndrome 2. Last evaluated: 2018-03-06. Review status: criteria provided, single submitter. Criteria: ICSL Variant Classification Criteria 13 December 2019. Collection method: clinical testing. Allele origin: germline.
Comment: This variant was observed in the ICSL laboratory as part of a predisposition screen in an ostensibly healthy population. It had not been previously curated by ICSL or reported in the Human Gene Mutation Database (HGMD: prior to June 1st, 2018), and was therefore a candidate for classification through an automated scoring system. Utilizing variant allele frequency, disease prevalence and penetrance estimates, and inheritance mode, an automated score was calculated to assess if this variant is too frequent to cause the disease. Based on the score and internal cut-off values, a variant classified as benign is not then subjected to further curation. The score for this variant resulted in a classification of benign for this disease.

Laboratory for Molecular Medicine, Mass General Brigham Personalized Medicine
Classification: Benign. Last evaluated: 2016-03-29. Review status: criteria provided, single submitter. Criteria: LMM Criteria. Collection method: clinical testing. Allele origin: germline.
Comment: Variant identified in a genome or exome case(s) and assessed due to predicted null impact of the variant or pathogenic assertions in the literature or databases. Disclaimer: This variant has not undergone full assessment. The following are preliminary notes: Frequency